The following is an entry in ClinVar:

NM_014284.3(NCDN):c.552A>G (p.Ala184=)

Gene: NCDN (neurochondrin; plus strand). Cytogenetic location: 1p34.3.
Variant type: single nucleotide variant.
Coding change: c.552A>G on transcript NM_014284.3 (MANE Select); coding-DNA position 552, A replaced by G.
Protein change: p.Ala184=; no amino-acid change (alanine 184 retained).
Molecular consequence: synonymous variant.
Genome position (GRCh38, 1-based): chr1:35,560,703, A>G. VCF-style: chr1-35560703-A-G. GRCh37 (hg19) VCF-style: chr1-36026304-A-G.
Other names: c.552A>G, p.Ala184= (NM_001014839.2); c.501A>G, p.Ala167= (NM_001014841.2).
Identifiers: ClinVar variation 4984143 (VCV004984143.1).
Genomic context (GRCh38, chr1:35,560,703, plus strand): 5'-CACACCCAGAGGGCCTCGGCACCTCATTGCTGGTGGCACCGTGTCTGCCCTATGCCAGGC[A>G]TACCTGGGGCACGGCTATGGCTTTGACCAGGCCCTGGCACTCCTGGTGGGGCTGCTGGCT-3'
Protein context (NP_055099.1, residues 174-194): AGGTVSALCQ[Ala184=]YLGHGYGFDQ

ClinVar aggregate classification (germline): Likely benign (1 of 4 stars; one submission).

Conditions:
NCDN-related disorder. Also called: NCDN-related condition.

Submission:

PreventionGenetics, part of Exact Sciences
Classification: Likely benign for NCDN-related condition. Last evaluated: 2025-12-27. Review status: criteria provided, single submitter. Criteria: ACMG Guidelines, 2015. Collection method: clinical testing. Allele origin: germline.
Comment: This variant is classified as likely benign based on ACMG/AMP sequence variant interpretation guidelines (Richards et al. 2015 PMID: 25741868, with internal and published modifications).